The following is an entry in ClinVar:

NM_003773.5(HYAL2):c.316C>T (p.Leu106Phe)

Gene: HYAL2 (hyaluronidase 2; minus strand). Cytogenetic location: 3p21.31.
Variant type: single nucleotide variant.
Coding change: c.316C>T on transcript NM_003773.5 (MANE Select); coding-DNA position 316, C replaced by T.
Protein change: p.Leu106Phe; replaces leucine 106 with phenylalanine.
Molecular consequence: missense variant.
Genome position (GRCh38, 1-based): chr3:50,320,174, G>A on the plus strand (C>T on the coding strand, the complement: HYAL2 is on the minus strand). VCF-style: chr3-50320174-G-A. GRCh37 (hg19) VCF-style: chr3-50357605-G-A.
Other names: c.316C>T, p.Leu106Phe (NM_033158.5); short protein forms L106F.
Identifiers: ClinVar variation 3026661 (VCV003026661.22), dbSNP rs2470877730, ClinGen allele CA352913027.

ClinVar aggregate classification (germline): Uncertain significance (1 of 4 stars; one submission).

Submission:

CeGaT Center for Human Genetics Tuebingen
Classification: Uncertain significance. Last evaluated: 2023-12-01. Review status: criteria provided, single submitter. Criteria: CeGaT Center For Human Genetics Tuebingen Variant Classification Criteria Version 2. Collection method: clinical testing. Allele origin: germline. Affected: yes. Observed: 1 variant allele.
Comment: HYAL2: PM2